The following is an entry in ClinVar:

ClinVar aggregate classification (germline): Benign. Review status: criteria provided, multiple submitters, no conflicts (2 of 4 stars). 2 submissions from 2 submitters: Benign (2). Last evaluated 2018-01-12.

Conditions:
RFT1-congenital disorder of glycosylation (CDG1N). Also called: Congenital disorder of glycosylation type In; CDG In; RFT1-CDG. Identifiers: Orphanet 244310, MedGen C2677590, MONDO:0012783, OMIM 612015.

Allele frequency attached by ClinVar (database versions not stated): gnomAD exomes 0.08333; gnomAD 0.16166 and 0.16647; 1000 Genomes Project 0.16993; 1000 Genomes Project 30x 0.17567; TOPMed 0.17576.
gnomAD v4.1: 24,468 of 152,036 alleles (16%); highest among the groups gnomAD compares: African/African-American, 33%; 2,843 homozygotes.

Submissions (2):

Illumina Laboratory Services, Illumina
Classification: Benign for RFT1-congenital disorder of glycosylation. Last evaluated: 2018-01-12. Review status: criteria provided, single submitter. Criteria: ICSL Variant Classification Criteria 13 December 2019. Collection method: clinical testing. Allele origin: germline.
Comment: This variant was observed in the ICSL laboratory as part of a predisposition screen in an ostensibly healthy population. It had not been previously curated by ICSL or reported in the Human Gene Mutation Database (HGMD: prior to June 1st, 2018), and was therefore a candidate for classification through an automated scoring system. Utilizing variant allele frequency, disease prevalence and penetrance estimates, and inheritance mode, an automated score was calculated to assess if this variant is too frequent to cause the disease. Based on the score and internal cut-off values, a variant classified as benign is not then subjected to further curation. The score for this variant resulted in a classification of benign for this disease.

Breakthrough Genomics
Classification: Benign. Review status: criteria provided, single submitter. Criteria: ACMG Guidelines, 2015. Collection method: not provided. Allele origin: germline. Inheritance: Autosomal recessive inheritance. Affected: yes.

NM_052859.4(RFT1):c.*2840T>A

Gene: RFT1 (RFT1 glycolipid translocator homolog; minus strand). Cytogenetic location: 3p21.1.
Variant type: single nucleotide variant.
Coding change: c.*2840T>A on transcript NM_052859.4 (MANE Select); 2840 bases downstream of the stop codon, T replaced by A.
Molecular consequence: 3 prime UTR variant.
Genome position (GRCh38, 1-based): chr3:53,089,063, A>T on the plus strand (T>A on the coding strand, the complement: RFT1 is on the minus strand). VCF-style: chr3-53089063-A-T. GRCh37 (hg19) VCF-style: chr3-53123079-A-T.
Identifiers: ClinVar variation 346143 (VCV000346143.6), dbSNP rs9875573, ClinGen allele CA10619233.